The following is an entry in ClinVar:

NM_014491.4(FOXP2):c.1690C>T (p.Arg564Ter)

Gene: FOXP2 (forkhead box P2; plus strand). Cytogenetic location: 7q31.1.
Variant type: single nucleotide variant.
Coding change: c.1690C>T on transcript NM_014491.4 (MANE Select); coding-DNA position 1690, C replaced by T.
Protein change: p.Arg564Ter; replaces arginine 564 with a stop codon.
Molecular consequence: nonsense. On other transcripts: non-coding transcript variant (2).
Genome position (GRCh38, 1-based): chr7:114,662,107, C>T. VCF-style: chr7-114662107-C-T. GRCh37 (hg19) VCF-style: chr7-114302162-C-T.
Other names: c.1687C>T, p.Arg563Ter (NM_001172766.3); c.1765C>T, p.Arg589Ter (NM_148898.4); c.1741C>T, p.Arg581Ter (NM_148900.4); short protein forms R563*, R564*, R581*, R589*.
Identifiers: ClinVar variation 1119990 (VCV001119990.7), dbSNP rs2129341954, ClinGen allele CA368965843.

ClinVar aggregate classification (germline): Pathogenic. Review status: criteria provided, multiple submitters, no conflicts (2 of 4 stars). 5 submissions from 5 submitters: Pathogenic (3). 2 of the submissions do not count toward it. Last evaluated 2023-07-11.

Conditions:
FOXP2-related disorders.
Childhood apraxia of speech (SPCH1). Also called: SPEECH AND LANGUAGE DISORDER WITH OROFACIAL DYSPRAXIA; Speech language disorder; DEVELOPMENTAL VERBAL DYSPRAXIA; FOXP2-Related Speech and Language Disorder. Identifiers: Orphanet 209908, MedGen C0750927, MONDO:0011184, OMIM 602081.

Submissions (5):

GeneDx
Classification: Pathogenic. Last evaluated: 2023-07-11. Review status: criteria provided, single submitter. Criteria: GeneDx Variant Classification Process June 2021. Collection method: clinical testing. Allele origin: germline. Affected: yes.
Comment: Nonsense variant predicted to result in protein truncation or nonsense mediated decay in a gene for which loss-of-function is a known mechanism of disease; Not observed at significant frequency in large population cohorts (gnomAD); This variant is associated with the following publications: (PMID: 27336128, 27572252, 31785789, 34580403)

Blueprint Genetics
Classification: Pathogenic for FOXP2-related disorders. Last evaluated: 2023-04-28. Review status: criteria provided, single submitter. Criteria: ACMG Guidelines, 2015. Collection method: clinical testing. Allele origin: germline. Affected: yes. Observed: 1 variant allele.

Institute of Human Genetics Munich, TUM University Hospital
Classification: Pathogenic for Childhood apraxia of speech. Last evaluated: 2021-08-02. Review status: criteria provided, single submitter. Criteria: Classification criteria August 2017. Collection method: clinical testing. Allele origin: de novo. Inheritance: Autosomal dominant inheritance. Affected: yes. Observed: 1 variant allele.

Pediatric Genetics Clinic, Sheba Medical Center
Classification: Pathogenic for Childhood apraxia of speech. Last evaluated: 2021-05-13. Review status: no assertion criteria provided. Collection method: clinical testing. Allele origin: inherited. Affected: yes. Observed: 1 heterozygote. Not counted in ClinVar's aggregate classification.

GeneReviews
No classification provided. Condition: Childhood apraxia of speech. Review status: no classification provided. Collection method: literature only. Allele origin: germline. Not counted in ClinVar's aggregate classification.

Literature cited by the submitters: PubMed 27572252 (cited by GeneReviews); PubMed 27336128 (cited by GeneReviews).